The following is an entry in ClinVar:

NM_000441.2(SLC26A4):c.1589A>C (p.Tyr530Ser)

Gene: SLC26A4 (solute carrier family 26 member 4; plus strand). Cytogenetic location: 7q22.3.
Variant type: single nucleotide variant.
Coding change: c.1589A>C on transcript NM_000441.2 (MANE Select); coding-DNA position 1589, A replaced by C.
Protein change: p.Tyr530Ser; replaces tyrosine 530 with serine.
Molecular consequence: missense variant.
Genome position (GRCh38, 1-based): chr7:107,698,086, A>C. VCF-style: chr7-107698086-A-C. GRCh37 (hg19) VCF-style: chr7-107338531-A-C.
Other names: short protein forms Y530S.
Identifiers: ClinVar variation 557139 (VCV000557139.5), dbSNP rs747636919, ClinGen allele CA4432878.
Genomic context (GRCh38, chr7:107,698,086, plus strand): 5'-ATATTTTTTCTTCTAGTCCTTCTTGGAATGGCCTTGGAAGCATCCCTAGCACAGATATCT[A>C]CAAAAGTACCAAGAATTACAAAAACGTAAGTACCTTTGTGAGACATTTGCTGGACTTGGG-3'
Protein context (NP_000432.1, residues 520-540): GLGSIPSTDI[Tyr530Ser]KSTKNYKNIE

ClinVar aggregate classification (germline): Likely pathogenic. Review status: criteria provided, multiple submitters, no conflicts (2 of 4 stars). 4 submissions from 4 submitters: Likely pathogenic (3). 1 of the submissions does not count toward it. Last evaluated 2023-06-23.

Conditions:
Autosomal recessive nonsyndromic hearing loss 4 (DFNB4). Also called: Deafness, autosomal recessive 4; FOXI1-Related Pendred Syndrome; KCNJ10-Related Pendred Syndrome; DEAFNESS, AUTOSOMAL RECESSIVE 4, WITH ENLARGED VESTIBULAR AQUEDUCT, DIGENIC; Enlarged vestibular aqueduct, digenic; Nonsyndromic enlarged vestibular aqueduct (NSEVA). Identifiers: Orphanet 90636, MedGen C3538946, MONDO:0010933, OMIM 600791.
Pendred syndrome (PDS). Also called: DEAFNESS WITH GOITER; Pendred's syndrome; GOITER-DEAFNESS SYNDROME; HYPOTHYROIDISM, CONGENITAL, DUE TO DYSHORMONOGENESIS, 2B; THYROID DYSHORMONOGENESIS 2B; THYROID HORMONOGENESIS, GENETIC DEFECT IN, 2B. Identifiers: Orphanet 705, MedGen C0271829, MONDO:0010134, OMIM 274600.

Allele frequency attached by ClinVar (database versions not stated): ExAC 0.00001; gnomAD exomes 0.00001; gnomAD 0.00003.
gnomAD v4.1: 3 of 1,609,940 alleles (0.00019%); highest among the groups gnomAD compares: Non-Finnish European, 0.00026%; no homozygotes.

Submissions (4):

Women's Health and Genetics/Laboratory Corporation of America, LabCorp
Classification: Likely pathogenic for Pendred syndrome. Last evaluated: 2023-06-23. Review status: criteria provided, single submitter. Criteria: LabCorp Variant Classification Summary - May 2015. Collection method: clinical testing. Allele origin: germline.
Comment: Variant summary: SLC26A4 c.1589A>C (p.Tyr530Ser) results in a non-conservative amino acid change in the encoded protein sequence. Five of five in-silico tools predict a damaging effect of the variant on protein function. The variant allele was found at a frequency of 8e-06 in 251192 control chromosomes. c.1589A>C has been reported in the literature in multiple individuals affected with SLC26A4-related conditions (e.g., Pryor_2005, Banghova_2008, Porova_2010). In at least two individuals the variant was identified in compound heterozygosity with other known pathogenic variants. These data indicate that the variant is likely associated with disease. At least one publication reports experimental evidence evaluating an impact on protein function, demonstrating that the variant protein product displays abnormal trafficking activity and is largely retained in the endoplasmic reticulum. Additionally, other variants at the Tyr530 residue have been reported as associated with disease (p.Tyr530His), suggesting that this codon is functionally important. The following publications have been ascertained in the context of this evaluation (PMID: 19189692, 19204907, 20597900, 15689455). One submitter has cited clinical-significance assessments for this variant to ClinVar after 2014 and has classified the variant as uncertain significance. Based on the evidence outlined above, the variant was classified as likely pathogenic.

GeneDx
Classification: Likely pathogenic. Last evaluated: 2023-04-21. Review status: criteria provided, single submitter. Criteria: GeneDx Variant Classification Process June 2021. Collection method: clinical testing. Allele origin: germline. Affected: yes.
Comment: Identified in a patient with enlargement of the vestibular aqueduct without thyroid dysfunction; patient also had a pathogenic SLC26A4 variant on the other allele (Pryor et al., 2005); Published functional studies suggest a damaging effect on protein localization and function (Choi et al., 2009); Not observed at significant frequency in large population cohorts (gnomAD); This variant is associated with the following publications: (PMID: 19204907, 15689455)

Baylor Genetics
Classification: Likely pathogenic for Autosomal recessive nonsyndromic hearing loss 4. Last evaluated: 2023-04-14. Review status: criteria provided, single submitter. Criteria: ACMG Guidelines, 2015. Collection method: clinical testing. Allele origin: unknown.

Counsyl
Classification: Uncertain significance for Pendred syndrome. Last evaluated: 2018-03-05. Review status: no assertion criteria provided. Collection method: clinical testing. Allele origin: unknown. Not counted in ClinVar's aggregate classification.

Literature cited by the submitters: PubMed 20597900 (cited by Women's Health and Genetics/Laboratory Corporation of America, LabCorp and Counsyl); PubMed 19204907 (cited by Women's Health and Genetics/Laboratory Corporation of America, LabCorp and Counsyl); PubMed 15689455 (cited by Women's Health and Genetics/Laboratory Corporation of America, LabCorp); PubMed 19189692 (cited by Women's Health and Genetics/Laboratory Corporation of America, LabCorp); PubMed 26485571 (cited by Counsyl).